The following is an entry in ClinVar:

NM_000238.4(KCNH2):c.3203A>G (p.Gln1068Arg)

Gene: KCNH2 (potassium voltage-gated channel subfamily H member 2; minus strand). Cytogenetic location: 7q36.1.
Variant type: single nucleotide variant.
Coding change: c.3203A>G on transcript NM_000238.4 (MANE Select); coding-DNA position 3203, A replaced by G.
Protein change: p.Gln1068Arg; replaces glutamine 1068 with arginine.
Molecular consequence: missense variant.
Genome position (GRCh38, 1-based): chr7:150,947,004, T>C on the plus strand (A>G on the coding strand, the complement: KCNH2 is on the minus strand). VCF-style: chr7-150947004-T-C. GRCh37 (hg19) VCF-style: chr7-150644092-T-C.
Other names: c.3203A>G (LRG_288t1); c.2183A>G, p.Gln728Arg (NM_172057.3); short protein forms Q1068R, Q728R.
Identifiers: ClinVar variation 67480 (VCV000067480.22), dbSNP rs151031345, ClinGen allele CA008110.
Genomic context (GRCh38, chr7:150,947,004, plus strand): 5'-GGGCCAGGCCCCGGGGTGGTCACAGCACTGTAGGCGGGCGGGACCAGCGTCATCTGCCTC[T>C]GTAGCAGCTGCAGGACAGTGGCCATGTCTGCACTCAGCCGGGTCTCCAGCCTGGGGCAGG-3'
Protein context (NP_000229.1, residues 1058-1078): ADMATVLQLL[Gln1068Arg]RQMTLVPPAY

ClinVar aggregate classification (germline): Conflicting classifications of pathogenicity. Review status: criteria provided, conflicting classifications (1 of 4 stars). 6 submissions from 6 submitters: Uncertain significance (1); Likely benign (4). 1 of the submissions does not count toward it. Last evaluated 2026-01-16.

Conditions:
Cardiac arrhythmia. Also called: Cardiac rhythm disease; Arrhythmia. Identifiers: MedGen C0003811, MONDO:0007263, HP:0011675.
Cardiovascular phenotype. Identifiers: MedGen CN230736.
Long QT syndrome (LQTS). Identifiers: MedGen C0023976, MeSH D008133, MONDO:0002442. Disease mechanism: loss of function. Inheritance: Various modes of inheritance.

Allele frequency attached by ClinVar (database versions not stated): gnomAD exomes 0.00002 and 0.00005; ExAC 0.00004; gnomAD 0.00008 and 0.00009; TOPMed 0.00009; ESP Exome Variant Server 0.00015; 1000 Genomes Project 30x 0.00016; 1000 Genomes Project 0.00020.
gnomAD v4.1: 41 of 1,610,756 alleles (0.0025%); highest among the groups gnomAD compares: African/African-American, 0.027%; no homozygotes.

Submissions (6):

Labcorp Genetics (formerly Invitae), Labcorp
Classification: Likely benign for Long QT syndrome. Last evaluated: 2026-01-16. Review status: criteria provided, single submitter. Criteria: Invitae Variant Classification Sherloc (09022015). Collection method: clinical testing. Allele origin: germline.

Color Diagnostics, LLC DBA Color Health
Classification: Likely benign for Cardiac arrhythmia. Last evaluated: 2025-08-25. Review status: criteria provided, single submitter. Criteria: ACMG Guidelines, 2015. Collection method: clinical testing. Allele origin: germline.

GeneDx
Classification: Uncertain significance. Last evaluated: 2025-02-25. Review status: criteria provided, single submitter. Criteria: GeneDx Variant Classification Process June 2021. Collection method: clinical testing. Allele origin: germline. Affected: yes.
Comment: Reported in a family with LQTS who also harbored a KCNH2 frameshift variant in trans; the p.(Q1068R) variant did not segregate with disease, whereas the frameshift variant demonstrated complete segregation with disease (PMID: 28049825); Functional studies demonstrate an alteration in channel gating; however, it is unclear how these studies may translate to a pathogenic role in vivo (PMID: 14975928); In silico analysis supports that this missense variant has a deleterious effect on protein structure/function; This variant is associated with the following publications: (PMID: 29752375, 23303164, 14661677, 22581653, 14975928, 19841300, 30403391, 15913580, 35243873, 22949429, 28049825)

Ambry Genetics
Classification: Likely benign for Cardiovascular phenotype. Last evaluated: 2022-04-19. Review status: criteria provided, single submitter. Criteria: Ambry Variant Classification Scheme 2023. Collection method: clinical testing. Allele origin: germline.

CSER _CC_NCGL, University of Washington
Classification: Likely benign for Long QT Syndrome. Last evaluated: 2015-03-11. Review status: criteria provided, single submitter. Criteria: Amendola et al. (Genome Res. 2015). Collection method: research. Allele origin: germline. Inheritance: Autosomal dominant inheritance. Study: CSER - NEXT Medicine variant annotation.

Cardiovascular Biomedical Research Unit, Royal Brompton & Harefield NHS Foundation Trust
No classification provided. Review status: no classification provided. Collection method: literature only. Allele origin: germline. Not counted in ClinVar's aggregate classification.
Comment: This variant has been reported in the following publications (PMID:14661677;PMID:19841300).

Literature cited by the submitters: PubMed 14661677 (cited by Ambry Genetics and Cardiovascular Biomedical Research Unit, Royal Brompton & Harefield NHS Foundation Trust); PubMed 14975928 (cited by Ambry Genetics); PubMed 15913580 (cited by Ambry Genetics); PubMed 19841300 (cited by Ambry Genetics and Cardiovascular Biomedical Research Unit, Royal Brompton & Harefield NHS Foundation Trust); PubMed 22949429 (cited by Ambry Genetics); PubMed 23303164 (cited by Ambry Genetics); PubMed 28049825 (cited by Ambry Genetics); PubMed 29752375 (cited by Ambry Genetics); PubMed 30403391 (cited by Ambry Genetics); PubMed 22581653 (cited by Cardiovascular Biomedical Research Unit, Royal Brompton & Harefield NHS Foundation Trust).